The following is an entry in ClinVar:

NM_181303.2(NLGN3):c.184A>G (p.Ile62Val)

Gene: NLGN3 (neuroligin 3; plus strand). Cytogenetic location: Xq13.1.
Variant type: single nucleotide variant.
Coding change: c.184A>G on transcript NM_181303.2 (MANE Select); coding-DNA position 184, A replaced by G.
Protein change: p.Ile62Val; replaces isoleucine 62 with valine.
Molecular consequence: missense variant. On other transcripts: intron variant (1).
Genome position (GRCh38, 1-based): chrX:71,147,933, A>G. VCF-style: chrX-71147933-A-G. GRCh37 (hg19) VCF-style: chrX-70367783-A-G.
Other names: c.184A>G, p.Ile62Val (NM_001166660.2, NM_018977.4); c.-38-130A>G (NM_001321276.2); short protein forms I62V.
Identifiers: ClinVar variation 3343376 (VCV003343376.1).

ClinVar aggregate classification (germline): Uncertain significance (1 of 4 stars; one submission).

Submission:

GeneDx
Classification: Uncertain significance. Last evaluated: 2023-05-08. Review status: criteria provided, single submitter. Criteria: GeneDx Variant Classification Process June 2021. Collection method: clinical testing. Allele origin: germline. Affected: yes.
Comment: Not observed at significant frequency in large population cohorts (gnomAD); In silico analysis supports that this missense variant does not alter protein structure/function; Has not been previously published as pathogenic or benign to our knowledge